The following is an entry in ClinVar:

NM_005120.3(MED12):c.2568C>A (p.Ile856=)

Gene: MED12 (mediator complex subunit 12; plus strand). Cytogenetic location: Xq13.1.
Variant type: single nucleotide variant.
Coding change: c.2568C>A on transcript NM_005120.3 (MANE Select); coding-DNA position 2568, C replaced by A.
Protein change: p.Ile856=; no amino-acid change (isoleucine 856 retained).
Molecular consequence: synonymous variant.
Genome position (GRCh38, 1-based): chrX:71,126,367, C>A. VCF-style: chrX-71126367-C-A. GRCh37 (hg19) VCF-style: chrX-70346217-C-A.
Identifiers: ClinVar variation 2446350 (VCV002446350.1), dbSNP rs746727639, ClinGen allele CA516819007.
Genomic context (GRCh38, chrX:71,126,367, plus strand): 5'-TCCACTCCCATCTCACTCCCACTGCCCTTATCAGGTCTCCCGGAATGTTCTGGAGCAGAT[C>A]ACGAGCTTTGCCCTTGGCATGTCATACCACTTGCCTCTGGTGCAGCATGTGCAGTTCATC-3'
Protein context (NP_005111.2, residues 846-866): AQVSRNVLEQ[Ile856=]TSFALGMSYH

ClinVar aggregate classification (germline): Uncertain significance (1 of 4 stars; one submission).

gnomAD v4.1: 1 of 1,211,996 alleles (0.000083%); highest among the groups gnomAD compares: African/African-American, 0.0017%; no homozygotes.

Submission:

GeneDx
Classification: Uncertain significance. Last evaluated: 2022-09-27. Review status: criteria provided, single submitter. Criteria: GeneDx Variant Classification Process June 2021. Collection method: clinical testing. Allele origin: germline. Affected: yes.
Comment: Not observed at significant frequency in large population cohorts (gnomAD); In silico analysis supports that this variant does not alter splicing; Has not been previously published as pathogenic or benign to our knowledge